The following is an entry in ClinVar:

NM_001276345.2(TNNT2):c.451C>A (p.Arg151=)

Gene: TNNT2 (troponin T2, cardiac type; minus strand). Cytogenetic location: 1q32.1.
Variant type: single nucleotide variant.
Coding change: c.451C>A on transcript NM_001276345.2 (MANE Select); coding-DNA position 451, C replaced by A.
Protein change: p.Arg151=; no amino-acid change (arginine 151 retained).
Molecular consequence: synonymous variant.
Genome position (GRCh38, 1-based): chr1:201,364,336, G>T on the plus strand (C>A on the coding strand, the complement: TNNT2 is on the minus strand). VCF-style: chr1-201364336-G-T. GRCh37 (hg19) VCF-style: chr1-201333464-G-T.
Other names: c.451C>A, p.Arg151= (NM_000364.4); c.421C>A, p.Arg141= (NM_001001430.3, NM_001001431.3, NM_001276347.2); c.406C>A, p.Arg136= (NM_001001432.3); c.331C>A, p.Arg111= (NM_001276346.2).
Identifiers: ClinVar variation 43643 (VCV000043643.29), dbSNP rs74315379, ClinGen allele CA088600.

ClinVar aggregate classification (germline): Benign/Likely benign. Review status: criteria provided, multiple submitters, no conflicts (2 of 4 stars). 11 submissions from 9 submitters: Benign (2); Likely benign (8). 1 of the submissions does not count toward it. Last evaluated 2026-01-26.

Conditions:
Cardiovascular phenotype. Identifiers: MedGen CN230736.
TNNT2-related disorder. Also called: TNNT2-related condition.
Hypertrophic cardiomyopathy 2. Also called: TNNT2-Related Familial Hypertrophic Cardiomyopathy. Identifiers: MedGen C1861864, MONDO:0007266, OMIM 115195.
Cardiomyopathy, familial restrictive, 3. Identifiers: Orphanet 75249, MedGen C2676271, MONDO:0012900, OMIM 612422.
Dilated cardiomyopathy 1D. Identifiers: Orphanet 154, Orphanet 54260, MedGen C1832243, MONDO:0011095, OMIM 601494.
Cardiomyopathy (CMYO). Also called: Cardiomyopathies. Identifiers: Orphanet 167848, MedGen C0878544, MONDO:0004994, HP:0001638. Inheritance: Various modes of inheritance.

Allele frequency attached by ClinVar (database versions not stated): 1000 Genomes Project 0.00060; gnomAD below 0.00001 and 0.00007; TOPMed 0.00001; gnomAD exomes 0.00007 and 0.00012; ExAC 0.00017; 1000 Genomes Project 30x 0.00047.

Submissions (11):

Labcorp Genetics (formerly Invitae), Labcorp
Classification: Benign for Cardiomyopathy, familial restrictive, 3; Hypertrophic cardiomyopathy 2; Dilated cardiomyopathy 1D. Last evaluated: 2026-01-26. Review status: criteria provided, single submitter. Criteria: Invitae Variant Classification Sherloc (09022015). Collection method: clinical testing. Allele origin: germline.

Ambry Genetics
Classification: Likely benign for Cardiovascular phenotype. Last evaluated: 2023-04-18. Review status: criteria provided, single submitter. Criteria: Ambry Variant Classification Scheme 2023. Collection method: clinical testing. Allele origin: germline.

Genome-Nilou Lab
Classification: Likely benign for Dilated cardiomyopathy 1D. Last evaluated: 2023-04-11. Review status: criteria provided, single submitter. Criteria: ACMG Guidelines, 2015. Collection method: clinical testing. Allele origin: germline. Affected: no.

Genome-Nilou Lab
Classification: Likely benign for Cardiomyopathy, familial restrictive, 3. Last evaluated: 2023-04-11. Review status: criteria provided, single submitter. Criteria: ACMG Guidelines, 2015. Collection method: clinical testing. Allele origin: germline. Affected: no.

Genome-Nilou Lab
Classification: Likely benign for Hypertrophic cardiomyopathy 2. Last evaluated: 2023-04-11. Review status: criteria provided, single submitter. Criteria: ACMG Guidelines, 2015. Collection method: clinical testing. Allele origin: germline. Affected: no.

CHEO Genetics Diagnostic Laboratory, Children's Hospital of Eastern Ontario
Classification: Likely benign for Cardiomyopathy. Last evaluated: 2022-08-02. Review status: criteria provided, single submitter. Criteria: ACMG Guidelines, 2015. Collection method: clinical testing. Allele origin: germline. Study: Canadian Open Genetics Repository.

Fulgent Genetics
Classification: Benign for Hypertrophic cardiomyopathy 2; Dilated cardiomyopathy 1D; Cardiomyopathy, familial restrictive, 3. Last evaluated: 2021-12-28. Review status: criteria provided, single submitter. Criteria: ACMG Guidelines, 2015. Collection method: clinical testing. Allele origin: unknown.

GeneDx
Classification: Likely benign. Last evaluated: 2019-10-22. Review status: criteria provided, single submitter. Criteria: GeneDx Variant Classification Process June 2021. Collection method: clinical testing. Allele origin: germline. Affected: yes.

Color Diagnostics, LLC DBA Color Health
Classification: Likely benign for Cardiomyopathy. Last evaluated: 2018-11-18. Review status: criteria provided, single submitter. Criteria: ACMG Guidelines, 2015. Collection method: clinical testing. Allele origin: germline.

Laboratory for Molecular Medicine, Mass General Brigham Personalized Medicine
Classification: Likely benign. Last evaluated: 2012-01-06. Review status: criteria provided, single submitter. Criteria: LMM Criteria. Collection method: clinical testing. Allele origin: germline. Observed: 2 variant alleles.
Comment: Arg141Arg in exon 10 of TNNT2: This variant is not expected to have clinical sig nificance because it does not alter an amino acid residue and is not located wit hin the splice consensus sequence. Arg141Arg in exon 10 of TNNT2 (allele freque ncy = n/a)

PreventionGenetics, part of Exact Sciences
Classification: Likely benign for TNNT2-related condition. Last evaluated: 2023-10-17. Review status: no assertion criteria provided. Collection method: clinical testing. Allele origin: germline. Not counted in ClinVar's aggregate classification.
Comment: This variant is classified as likely benign based on ACMG/AMP sequence variant interpretation guidelines (Richards et al. 2015 PMID: 25741868, with internal and published modifications).